The following is an entry in ClinVar:

ClinVar aggregate classification (germline): Uncertain significance (1 of 4 stars; one submission).

gnomAD v4.1: 73 of 1,612,784 alleles (0.0045%); highest among the groups gnomAD compares: African/African-American, 0.089%; no homozygotes.

Submission:

Dasa
Classification: Uncertain significance. Last evaluated: 2026-02-25. Review status: criteria provided, single submitter. Criteria: DASA Assertion Criteria. Collection method: clinical testing. Allele origin: germline.
Comment: NM_032725.4(BUD13):c.1037-8C>T is a splice-region variant. This variant is rare in population databases. Computational prediction algorithms are consistent with a benign effect. The currently available literature and clinical evidence are not sufficient to establish a definitive association between this variant and the reported condition. Therefore, this variant is classified as a variant of uncertain significance.

NM_032725.4(BUD13):c.1037-8C>T

Gene: BUD13 (BUD13 spliceosome associated protein; minus strand). Cytogenetic location: 11q23.3.
Variant type: single nucleotide variant.
Coding change: c.1037-8C>T on transcript NM_032725.4 (MANE Select); 8 bases into the intron before coding-DNA position 1037, C replaced by T.
Molecular consequence: intron variant.
Genome position (GRCh38, 1-based): chr11:116,760,960, G>A on the plus strand (C>T on the coding strand, the complement: BUD13 is on the minus strand). VCF-style: chr11-116760960-G-A. GRCh37 (hg19) VCF-style: chr11-116631676-G-A.
Other names: c.635-8C>T (NM_001159736.2).
Identifiers: ClinVar variation 4885651 (VCV004885651.2).
Genomic context (GRCh38, chr11:116,760,960, plus strand): 5'-TTGTTTATGCCGTGGAGAAGAAAGGTCTGAATCAGTTGCTTTCTGGCAGTCACCTGGATA[G>A]GAGCAAAGAATCTGTGTGACTCTGATGTCCTCTAGGTGAAGAACTTACATGAAATCTCCT-3'